The following is an entry in ClinVar:

NM_013352.4(DSE):c.881T>G (p.Phe294Cys)

Gene: DSE (dermatan sulfate epimerase; plus strand). Cytogenetic location: 6q22.1.
Variant type: single nucleotide variant.
Coding change: c.881T>G on transcript NM_013352.4 (MANE Select); coding-DNA position 881, T replaced by G.
Protein change: p.Phe294Cys; replaces phenylalanine 294 with cysteine.
Molecular consequence: missense variant. On other transcripts: non-coding transcript variant (1), intron variant (3).
Genome position (GRCh38, 1-based): chr6:116,431,164, T>G. VCF-style: chr6-116431164-T-G. GRCh37 (hg19) VCF-style: chr6-116752327-T-G.
Other names: c.881T>G, p.Phe294Cys (NM_001080976.3, NM_001322937.2, NM_001322938.2 and 2 more transcripts); c.938T>G, p.Phe313Cys (NM_001322939.2); c.320T>G, p.Phe107Cys (NM_001322940.2, NM_001322941.2); c.-90+107T>G (NM_001374520.1); c.83+4337T>G (NM_001374521.1); c.670+4337T>G (NM_001322943.2); short protein forms F107C, F294C, F313C.
Identifiers: ClinVar variation 3363803 (VCV003363803.1).

ClinVar aggregate classification (germline): Uncertain significance (1 of 4 stars; one submission).

Submission:

GeneDx
Classification: Uncertain significance. Last evaluated: 2023-11-07. Review status: criteria provided, single submitter. Criteria: GeneDx Variant Classification Process June 2021. Collection method: clinical testing. Allele origin: germline. Affected: yes.
Comment: Not observed at significant frequency in large population cohorts (gnomAD); In silico analysis supports that this missense variant has a deleterious effect on protein structure/function; Has not been previously published as pathogenic or benign to our knowledge